The following is an entry in ClinVar:

ClinVar aggregate classification (germline): Uncertain significance (1 of 4 stars; one submission).

Conditions:
Common variable immunodeficiency (CVID). Also called: Common variable hypogamma-globulinemia; Common variable agammaglobulinemia. Identifiers: Orphanet 1572, MedGen C0009447, MONDO:0015517.

Allele frequency attached by ClinVar (database versions not stated): TOPMed 0.00002.
gnomAD v4.1: 4 of 1,384,818 alleles (0.00029%); highest among the groups gnomAD compares: Non-Finnish European, 0.00028%; no homozygotes.

Submission:

Labcorp Genetics (formerly Invitae), Labcorp
Classification: Uncertain significance for Common variable immunodeficiency. Last evaluated: 2025-10-27. Review status: criteria provided, single submitter. Criteria: Invitae Variant Classification Sherloc (09022015). Collection method: clinical testing. Allele origin: germline.
Comment: This sequence change replaces glycine, which is neutral and non-polar, with valine, which is neutral and non-polar, at codon 27 of the TNFSF12 protein (p.Gly27Val). This variant is not present in population databases (gnomAD no frequency). This variant has not been reported in the literature in individuals affected with TNFSF12-related conditions. ClinVar contains an entry for this variant (Variation ID: 2776332). An algorithm developed to predict the effect of missense changes on protein structure and function (PolyPhen-2) suggests that this variant is likely to be tolerated. In summary, the available evidence is currently insufficient to determine the role of this variant in disease. Therefore, it has been classified as a Variant of Uncertain Significance.

NM_003809.3(TNFSF12):c.80G>T (p.Gly27Val)

Genes: TNFSF12 (TNF superfamily member 12; plus strand), TNFSF12-TNFSF13 (TNFSF12-TNFSF13 readthrough; plus strand), LOC130060153 (ATAC-STARR-seq lymphoblastoid silent region 8127; plus strand). Cytogenetic location: 17p13.1.
Variant type: single nucleotide variant.
Coding change: c.80G>T on transcript NM_003809.3 (MANE Select); coding-DNA position 80, G replaced by T.
Protein change: p.Gly27Val; replaces glycine 27 with valine.
Molecular consequence: missense variant. On other transcripts: non-coding transcript variant (1).
Genome position (GRCh38, 1-based): chr17:7,549,233, G>T. VCF-style: chr17-7549233-G-T. GRCh37 (hg19) VCF-style: chr17-7452550-G-T.
Other names: c.80G>T, p.Gly27Val (NM_172089.4); short protein forms G27V.
Identifiers: ClinVar variation 2776332 (VCV002776332.3), dbSNP rs1047001645, ClinGen allele CA287462182.
Genomic context (GRCh38, chr17:7,549,233, plus strand): 5'-AGAGGCGGAGGGGGCGCCGGGGGGAGCCGGGCACCGCCCTGCTGGTCCCGCTCGCGCTGG[G>T]CCTGGGCCTGGCGCTGGCCTGCCTCGGCCTCCTGCTGGCCGTGGTCAGTTTGGGGAGCCG-3'
Protein context (NP_003800.1, residues 17-37): GTALLVPLAL[Gly27Val]LGLALACLGL